The following is an entry in ClinVar:

ClinVar aggregate classification (germline): Uncertain significance (1 of 4 stars; one submission).

Conditions:
3-methylglutaconic aciduria type 1 (MGCA1). Identifiers: Orphanet 67046, MedGen C0342727, MONDO:0009610, OMIM 250950.

Allele frequency attached by ClinVar (database versions not stated): gnomAD exomes below 0.00001.
gnomAD v4.1: 2 of 1,613,860 alleles (0.00012%); highest among the groups gnomAD compares: Non-Finnish European, 0.000085%; no homozygotes.

Submission:

Labcorp Genetics (formerly Invitae), Labcorp
Classification: Uncertain significance for 3-methylglutaconic aciduria type 1. Last evaluated: 2024-01-29. Review status: criteria provided, single submitter. Criteria: Invitae Variant Classification Sherloc (09022015). Collection method: clinical testing. Allele origin: germline.
Comment: This sequence change replaces glutamic acid, which is acidic and polar, with alanine, which is neutral and non-polar, at codon 145 of the AUH protein (p.Glu145Ala). This variant is not present in population databases (gnomAD no frequency). This variant has not been reported in the literature in individuals affected with AUH-related conditions. ClinVar contains an entry for this variant (Variation ID: 1351791). Advanced modeling of protein sequence and biophysical properties (such as structural, functional, and spatial information, amino acid conservation, physicochemical variation, residue mobility, and thermodynamic stability) performed at Invitae indicates that this missense variant is not expected to disrupt AUH protein function with a negative predictive value of 80%. In summary, the available evidence is currently insufficient to determine the role of this variant in disease. Therefore, it has been classified as a Variant of Uncertain Significance.

NM_001698.3(AUH):c.434A>C (p.Glu145Ala)

Gene: AUH (AU RNA binding methylglutaconyl-CoA hydratase; minus strand). Cytogenetic location: 9q22.31.
Variant type: single nucleotide variant.
Coding change: c.434A>C on transcript NM_001698.3 (MANE Select); coding-DNA position 434, A replaced by C.
Protein change: p.Glu145Ala; replaces glutamic acid 145 with alanine.
Molecular consequence: missense variant. On other transcripts: intron variant (1).
Genome position (GRCh38, 1-based): chr9:91,325,389, T>G on the plus strand (A>C on the coding strand, the complement: AUH is on the minus strand). VCF-style: chr9-91325389-T-G. GRCh37 (hg19) VCF-style: chr9-94087671-T-G.
Other names: c.107A>C, p.Glu36Ala (NM_001351431.2, NM_001351432.2, NM_001351433.2); c.419-27313A>C (NM_001306190.2); short protein forms E145A, E36A.
Identifiers: ClinVar variation 1351791 (VCV001351791.8), dbSNP rs2131860995, ClinGen allele CA373837193.